The following is an entry in ClinVar:

ClinVar aggregate classification (germline): Uncertain significance (1 of 4 stars; one submission).

Submission:

CeGaT Center for Human Genetics Tuebingen
Classification: Uncertain significance. Last evaluated: 2026-09-01. Review status: criteria provided, single submitter. Criteria: CeGaT Center For Human Genetics Tuebingen Variant Classification Criteria Version 2. Collection method: clinical testing. Allele origin: germline. Affected: yes. Observed: 1 variant allele.
Comment: PLEC: PM2:Supporting, BP4

NM_201384.3(PLEC):c.10101G>A (p.Glu3367=)

Gene: PLEC (plectin; minus strand). Cytogenetic location: 8q24.3.
Variant type: single nucleotide variant.
Coding change: c.10101G>A on transcript NM_201384.3 (MANE Select); coding-DNA position 10101, G replaced by A.
Protein change: p.Glu3367=; no amino-acid change (glutamic acid 3367 retained).
Molecular consequence: synonymous variant.
Genome position (GRCh38, 1-based): chr8:143,919,720, C>T on the plus strand (G>A on the coding strand, the complement: PLEC is on the minus strand). VCF-style: chr8-143919720-C-T. GRCh37 (hg19) VCF-style: chr8-144993888-C-T.
Other names: c.10182G>A, p.Glu3394= (NM_000445.5); c.6801G>A, p.Glu2267= (NM_001410941.1); c.10059G>A, p.Glu3353= (NM_201378.4); c.10035G>A, p.Glu3345= (NM_201379.3); c.10512G>A, p.Glu3504= (NM_201380.4); c.10005G>A, p.Glu3335= (NM_201381.3); c.10101G>A, p.Glu3367= (NM_201382.4); c.10113G>A, p.Glu3371= (NM_201383.3).
Identifiers: ClinVar variation 5041517 (VCV005041517.1).